The following is an entry in ClinVar:

ClinVar aggregate classification (germline): Likely benign (1 of 4 stars; one submission).

Allele frequency attached by ClinVar (database versions not stated): TOPMed below 0.00001 and 0.00001.

Submission:

GeneDx
Classification: Likely benign. Last evaluated: 2016-03-29. Review status: criteria provided, single submitter. Criteria: GeneDx Variant Classification (06012015). Collection method: clinical testing. Allele origin: germline. Affected: yes.
Comment: This variant is considered likely benign or benign based on one or more of the following criteria: it is a conservative change, it occurs at a poorly conserved position in the protein, it is predicted to be benign by multiple in silico algorithms, and/or has population frequency not consistent with disease.

NM_001267550.2(TTN):c.41022C>T (p.Phe13674=)

Gene: TTN (titin; minus strand). Cytogenetic location: 2q31.2.
Variant type: single nucleotide variant.
Coding change: c.41022C>T on transcript NM_001267550.2 (MANE Select); coding-DNA position 41022, C replaced by T.
Protein change: p.Phe13674=; no amino-acid change (phenylalanine 13674 retained).
Molecular consequence: synonymous variant.
Genome position (GRCh38, 1-based): chr2:178,636,705, G>A on the plus strand (C>T on the coding strand, the complement: TTN is on the minus strand). VCF-style: chr2-178636705-G-A. GRCh37 (hg19) VCF-style: chr2-179501432-G-A.
Other names: c.36099C>T, p.Phe12033= (NM_001256850.1); c.13827C>T, p.Phe4609= (NM_003319.4); c.33318C>T, p.Phe11106= (NM_133378.4); c.14202C>T, p.Phe4734= (NM_133432.3); c.14403C>T, p.Phe4801= (NM_133437.4).
Identifiers: ClinVar variation 385180 (VCV000385180.1), dbSNP rs1057522146, ClinGen allele CA16604025.